The following is an entry in ClinVar:

ClinVar aggregate classification (germline): Uncertain significance. Review status: criteria provided, multiple submitters, no conflicts (2 of 4 stars). 3 submissions from 3 submitters: Uncertain significance (2). 1 of the submissions does not count toward it. Last evaluated 2024-05-15.

Conditions:
Congenital microcephaly - severe encephalopathy - progressive cerebral atrophy syndrome. Also called: ASNS DEFICIENCY; Asparagine synthetase deficiency. Identifiers: Orphanet 391376, MedGen C3809971, MONDO:0014258, OMIM 615574.

Allele frequency attached by ClinVar (database versions not stated): TOPMed below 0.00001; gnomAD 0.00001; gnomAD exomes 0.00001.
gnomAD v4.1: 21 of 1,613,938 alleles (0.0013%); highest among the groups gnomAD compares: Middle Eastern, 0.016%; no homozygotes.

Submissions (3):

Labcorp Genetics (formerly Invitae), Labcorp
Classification: Uncertain significance. Last evaluated: 2024-05-15. Review status: criteria provided, single submitter. Criteria: Invitae Variant Classification Sherloc (09022015). Collection method: clinical testing. Allele origin: germline.
Comment: This sequence change replaces arginine, which is basic and polar, with tryptophan, which is neutral and slightly polar, at codon 208 of the ASNS protein (p.Arg208Trp). This variant is present in population databases (no rsID available, gnomAD 0.003%). This variant has not been reported in the literature in individuals affected with ASNS-related conditions. ClinVar contains an entry for this variant (Variation ID: 1219528). Advanced modeling of protein sequence and biophysical properties (such as structural, functional, and spatial information, amino acid conservation, physicochemical variation, residue mobility, and thermodynamic stability) performed at Invitae indicates that this missense variant is not expected to disrupt ASNS protein function with a negative predictive value of 80%. In summary, the available evidence is currently insufficient to determine the role of this variant in disease. Therefore, it has been classified as a Variant of Uncertain Significance.

GeneDx
Classification: Uncertain significance. Last evaluated: 2021-01-05. Review status: criteria provided, single submitter. Criteria: GeneDx Variant Classification Process June 2021. Collection method: clinical testing. Allele origin: germline. Affected: yes.
Comment: Has not been previously published as pathogenic or benign to our knowledge; Not observed at a significant frequency in large population cohorts (Lek et al., 2016); In silico analysis supports that this missense variant does not alter protein structure/function

Natera, Inc.
Classification: Uncertain significance for Asparagine synthetase deficiency. Last evaluated: 2020-02-21. Review status: no assertion criteria provided. Collection method: clinical testing. Allele origin: germline. Not counted in ClinVar's aggregate classification.

NM_001673.5(ASNS):c.622C>T (p.Arg208Trp)

Genes: ASNS (asparagine synthetase (glutamine-hydrolyzing); minus strand), CZ1P-ASNS (CZ1P-ASNS readthrough; minus strand). Cytogenetic location: 7q21.3.
Variant type: single nucleotide variant.
Coding change: c.622C>T on transcript NM_001673.5 (MANE Select); coding-DNA position 622, C replaced by T.
Protein change: p.Arg208Trp; replaces arginine 208 with tryptophan.
Molecular consequence: missense variant. On other transcripts: non-coding transcript variant (1).
Genome position (GRCh38, 1-based): chr7:97,859,264, G>A on the plus strand (C>T on the coding strand, the complement: ASNS is on the minus strand). VCF-style: chr7-97859264-G-A. GRCh37 (hg19) VCF-style: chr7-97488576-G-A.
Other names: c.559C>T, p.Arg187Trp (NM_001178075.2); c.373C>T, p.Arg125Trp (NM_001178076.2, NM_001178077.1); c.622C>T, p.Arg208Trp (NM_001352496.2, NM_133436.3, NM_183356.4); short protein forms R125W, R187W, R208W.
Identifiers: ClinVar variation 1219528 (VCV001219528.11), dbSNP rs1265117805, ClinGen allele CA368269646.